The following is an entry in ClinVar:

NM_000890.5(KCNJ5):c.1145G>T (p.Ser382Ile)

Gene: KCNJ5 (potassium inwardly rectifying channel subfamily J member 5; plus strand). Cytogenetic location: 11q24.3.
Variant type: single nucleotide variant.
Coding change: c.1145G>T on transcript NM_000890.5 (MANE Select); coding-DNA position 1145, G replaced by T.
Protein change: p.Ser382Ile; replaces serine 382 with isoleucine.
Molecular consequence: missense variant.
Genome position (GRCh38, 1-based): chr11:128,916,616, G>T. VCF-style: chr11-128916616-G-T. GRCh37 (hg19) VCF-style: chr11-128786511-G-T.
Other names: p.Ser382Ile; c.1145G>T, p.Ser382Ile (NM_001354169.2); short protein forms S382I.
Identifiers: ClinVar variation 2683174 (VCV002683174.1), dbSNP rs956449597, ClinGen allele CA383236015.

ClinVar aggregate classification (germline): Uncertain significance (1 of 4 stars; one submission).

Submission:

Mayo Clinic Laboratories, Mayo Clinic
Classification: Uncertain significance. Last evaluated: 2022-06-03. Review status: criteria provided, single submitter. Criteria: ACMG Guidelines, 2015. Collection method: clinical testing. Allele origin: germline. Observed: 1 variant allele.
Comment: PM2_supporting